The following is an entry in ClinVar:

ClinVar aggregate classification (germline): Uncertain significance (1 of 4 stars; one submission).

Submission:

Labcorp Genetics (formerly Invitae), Labcorp
Classification: Uncertain significance. Last evaluated: 2024-02-05. Review status: criteria provided, single submitter. Criteria: Invitae Variant Classification Sherloc (09022015). Collection method: clinical testing. Allele origin: germline.
Comment: This sequence change replaces methionine, which is neutral and non-polar, with leucine, which is neutral and non-polar, at codon 77 of the FH protein (p.Met77Leu). This variant is not present in population databases (gnomAD no frequency). This variant has not been reported in the literature in individuals affected with FH-related conditions. Advanced modeling of protein sequence and biophysical properties (such as structural, functional, and spatial information, amino acid conservation, physicochemical variation, residue mobility, and thermodynamic stability) performed at Invitae indicates that this missense variant is not expected to disrupt FH protein function with a negative predictive value of 95%. In summary, the available evidence is currently insufficient to determine the role of this variant in disease. Therefore, it has been classified as a Variant of Uncertain Significance.

NM_000143.4(FH):c.229A>C (p.Met77Leu)

Gene: FH (fumarate hydratase; minus strand). Cytogenetic location: 1q43.
Variant type: single nucleotide variant.
Coding change: c.229A>C on transcript NM_000143.4 (MANE Select); coding-DNA position 229, A replaced by C.
Protein change: p.Met77Leu; replaces methionine 77 with leucine.
Molecular consequence: missense variant.
Genome position (GRCh38, 1-based): chr1:241,517,220, T>G on the plus strand (A>C on the coding strand, the complement: FH is on the minus strand). VCF-style: chr1-241517220-T-G. GRCh37 (hg19) VCF-style: chr1-241680520-T-G.
Other names: short protein forms M77L.
Identifiers: ClinVar variation 3690934 (VCV003690934.2).